The following is an entry in ClinVar:

NM_000038.6(APC):c.3343del (p.Val1115fs)

Gene: APC (APC regulator of Wnt signaling pathway; plus strand). Cytogenetic location: 5q22.2.
Variant type: Deletion.
Coding change: c.3343del on transcript NM_000038.6 (MANE Select); coding-DNA position 3343, one base deleted (G; older notation c.3343delG).
Protein change: p.Val1115fs; shifts the reading frame from valine 1115.
Molecular consequence: frameshift variant.
Genome position (GRCh38, 1-based): chr5:112,838,937, G deleted. VCF-style (leftmost placement, unchanged base first): chr5-112838936-AG-A. GRCh37 (hg19) VCF-style: chr5-112174633-AG-A.
Other names: c.3343del, p.Val1115fs (NM_001127510.3, NM_001354895.2); c.3289del, p.Val1097fs (NM_001127511.3); c.3397del, p.Val1133fs (NM_001354896.2); c.3373del, p.Val1125fs (NM_001354897.2); c.3268del, p.Val1090fs (NM_001354898.2); c.3259del, p.Val1087fs (NM_001354899.2); c.3220del, p.Val1074fs (NM_001354900.2); c.3166del, p.Val1056fs (NM_001354901.2); and 5 more; short protein forms V1014fs, V1115fs, V832fs, V1024fs, V1074fs, V1087fs, V1125fs, V989fs.
Identifiers: ClinVar variation 469918 (VCV000469918.11), dbSNP rs1554084945, ClinGen allele CA658655910.

ClinVar aggregate classification (germline): Pathogenic. Review status: criteria provided, multiple submitters, no conflicts (2 of 4 stars). 2 submissions from 2 submitters: Pathogenic (2). Last evaluated 2023-05-08.

Conditions:
Familial adenomatous polyposis 1 (FAP1). Also called: POLYPOSIS, ADENOMATOUS INTESTINAL; FAMILIAL ADENOMATOUS POLYPOSIS 1, ATTENUATED. Identifiers: MedGen C2713442, MONDO:0021056, OMIM 175100. Disease mechanism: loss of function.

Submissions (2):

Myriad Genetics, Inc.
Classification: Pathogenic for Familial adenomatous polyposis 1. Last evaluated: 2023-05-08. Review status: criteria provided, single submitter. Criteria: Myriad Autosomal Dominant, Autosomal Recessive and X-Linked Classification Criteria (2023). Collection method: clinical testing. Allele origin: unknown.
Comment: This variant is considered pathogenic. This variant creates a frameshift predicted to result in premature protein truncation.

Labcorp Genetics (formerly Invitae), Labcorp
Classification: Pathogenic for Familial adenomatous polyposis 1. Last evaluated: 2017-01-04. Review status: criteria provided, single submitter. Criteria: Invitae Variant Classification Sherloc (09022015). Collection method: clinical testing. Allele origin: germline.
Comment: This sequence change deletes 1 nucleotide from exon 16 of the APC mRNA (c.3343delG), causing a frameshift at codon 1115. This creates a premature translational stop signal in the last exon of the APC mRNA (p.Val1115Trpfs*11). While this is not anticipated to result in nonsense mediated decay, it is expected to disrupt the last 1729 amino acids of the APC protein. For these reasons, this variant has been classified as Pathogenic. While this particular variant has not been reported in the literature, loss-of-function variants in APC are known to be pathogenic (PMID: 20685668, 17963004) and multiple truncating variants located downstream of this variant have been determined to be pathogenic (Invitae database). This suggests that deletion of this region of the APC protein is causative of disease.

Literature cited by the submitters: PubMed 20685668 (cited by Labcorp Genetics (formerly Invitae), Labcorp); PubMed 17963004 (cited by Labcorp Genetics (formerly Invitae), Labcorp).